The following is an entry in ClinVar:

ClinVar aggregate classification (germline): Uncertain significance (1 of 4 stars; one submission).

Conditions:
Ataxia-telangiectasia syndrome (AT). Also called: Ataxia-telangiectasia; LOUIS-BAR SYNDROME; AT, COMPLEMENTATION GROUP C; Ataxia-telangiectasia, complementation group E; Ataxia telangiectasia (A-T); Cerebello-oculocutaneous telangiectasia. Identifiers: Orphanet 100, MedGen C0004135, MONDO:0008840, OMIM 208900.

Submission:

Labcorp Genetics (formerly Invitae), Labcorp
Classification: Uncertain significance for Ataxia-telangiectasia syndrome. Last evaluated: 2024-04-10. Review status: criteria provided, single submitter. Criteria: Invitae Variant Classification Sherloc (09022015). Collection method: clinical testing. Allele origin: germline.
Comment: This sequence change replaces leucine, which is neutral and non-polar, with phenylalanine, which is neutral and non-polar, at codon 1107 of the ATM protein (p.Leu1107Phe). This variant is not present in population databases (gnomAD no frequency). This variant has not been reported in the literature in individuals affected with ATM-related conditions. ClinVar contains an entry for this variant (Variation ID: 1447486). Algorithms developed to predict the effect of missense changes on protein structure and function output the following: SIFT: "Not Available"; PolyPhen-2: "Benign"; Align-GVGD: "Not Available". The phenylalanine amino acid residue is found in multiple mammalian species, which suggests that this missense change does not adversely affect protein function. In summary, the available evidence is currently insufficient to determine the role of this variant in disease. Therefore, it has been classified as a Variant of Uncertain Significance.

NM_000051.4(ATM):c.3321A>T (p.Leu1107Phe)

Gene: ATM (ATM serine/threonine kinase; plus strand). Cytogenetic location: 11q22.3.
Variant type: single nucleotide variant.
Coding change: c.3321A>T on transcript NM_000051.4 (MANE Select); coding-DNA position 3321, A replaced by T.
Protein change: p.Leu1107Phe; replaces leucine 1107 with phenylalanine.
Molecular consequence: missense variant.
Genome position (GRCh38, 1-based): chr11:108,279,527, A>T. VCF-style: chr11-108279527-A-T. GRCh37 (hg19) VCF-style: chr11-108150254-A-T.
Other names: c.3321A>T, p.Leu1107Phe (NM_001351834.2); short protein forms L1107F.
Identifiers: ClinVar variation 1447486 (VCV001447486.6), dbSNP rs2135643264, ClinGen allele CA382517500.
Genomic context (GRCh38, chr11:108,279,527, plus strand): 5'-GTTTGTTTGCTTGCTTGTTTTAAGATTGTTCCAGGACACGAAGGGAGATTCTTCCAGGTT[A>T]CTGAAAGCACTTCCTTTGAAGCTTCAGCAAACAGCTTTTGAAAATGCATACTTGAAAGCT-3'
Protein context (NP_000042.3, residues 1097-1117): FQDTKGDSSR[Leu1107Phe]LKALPLKLQQ